The following is an entry in ClinVar:

ClinVar aggregate classification (germline): Uncertain significance (1 of 4 stars; one submission).

Conditions:
Inborn genetic diseases. Identifiers: MedGen C0950123, MeSH D030342.

Submission:

Ambry Genetics
Classification: Uncertain significance for Inborn genetic diseases. Last evaluated: 2022-11-17. Review status: criteria provided, single submitter. Criteria: Ambry Variant Classification Scheme 2023. Collection method: clinical testing. Allele origin: germline.
Comment: The p.S824T variant (also known as c.2471G>C), located in coding exon 16 of the EPAS1 gene, results from a G to C substitution at nucleotide position 2471. The serine at codon 824 is replaced by threonine, an amino acid with similar properties. This amino acid position is conserved. In addition, the in silico prediction for this alteration is inconclusive. Since supporting evidence is limited at this time, the clinical significance of this alteration remains unclear.

NM_001430.5(EPAS1):c.2471G>C (p.Ser824Thr)

Gene: EPAS1 (endothelial PAS domain protein 1; plus strand). Cytogenetic location: 2p21.
Variant type: single nucleotide variant.
Coding change: c.2471G>C on transcript NM_001430.5 (MANE Select); coding-DNA position 2471, G replaced by C.
Protein change: p.Ser824Thr; replaces serine 824 with threonine.
Molecular consequence: missense variant.
Genome position (GRCh38, 1-based): chr2:46,384,518, G>C. VCF-style: chr2-46384518-G-C. GRCh37 (hg19) VCF-style: chr2-46611657-G-C.
Other names: short protein forms S824T.
Identifiers: ClinVar variation 2450291 (VCV002450291.2), dbSNP rs1382993020, ClinGen allele CA346706950.
Genomic context (GRCh38, chr2:46,384,518, plus strand): 5'-TCCAAATGTTCGATTTAGGCCTTTAAGTTATGGTACCAACCCTTCTTTCAGGCATGGCAA[G>C]CCGGCTGCTCGGGCCCTCATTTGAGTCCTACCTGCTGCCCGAACTGACCAGATATGACTG-3'
Protein context (NP_001421.2, residues 814-834): SSAHKVSGMA[Ser824Thr]RLLGPSFESY